The following is an entry in ClinVar:

ClinVar aggregate classification (germline): Uncertain significance. Review status: criteria provided, multiple submitters, no conflicts (2 of 4 stars). 2 submissions from 2 submitters: Uncertain significance (2). Last evaluated 2024-05-01.

Conditions:
Cholestanol storage disease (CTX). Also called: Cerebrotendinous Xanthomatosis; CEREBRAL CHOLESTERINOSIS; CTX: Cerebrotendinous xanthomatosis. Identifiers: Orphanet 909, MedGen C0238052, MONDO:0008948, OMIM 213700.

Allele frequency attached by ClinVar (database versions not stated): gnomAD 0.00002; TOPMed 0.00002; ESP Exome Variant Server 0.00008.
gnomAD v4.1: 20 of 1,614,068 alleles (0.0012%); highest among the groups gnomAD compares: Non-Finnish European, 0.0016%; no homozygotes.

Submissions (2):

GeneDx
Classification: Uncertain significance. Last evaluated: 2024-05-01. Review status: criteria provided, single submitter. Criteria: GeneDx Variant Classification Process June 2021. Collection method: clinical testing. Allele origin: germline. Affected: yes.
Comment: Not observed at significant frequency in large population cohorts (gnomAD); In silico analysis indicates that this missense variant does not alter protein structure/function; Has not been previously published as pathogenic or benign to our knowledge

Labcorp Genetics (formerly Invitae), Labcorp
Classification: Uncertain significance for Cholestanol storage disease. Last evaluated: 2023-11-21. Review status: criteria provided, single submitter. Criteria: Invitae Variant Classification Sherloc (09022015). Collection method: clinical testing. Allele origin: germline.
Comment: This sequence change replaces leucine, which is neutral and non-polar, with phenylalanine, which is neutral and non-polar, at codon 173 of the CYP27A1 protein (p.Leu173Phe). This variant is present in population databases (rs375485705, gnomAD 0.003%). This variant has not been reported in the literature in individuals affected with CYP27A1-related conditions. ClinVar contains an entry for this variant (Variation ID: 2059636). Advanced modeling of protein sequence and biophysical properties (such as structural, functional, and spatial information, amino acid conservation, physicochemical variation, residue mobility, and thermodynamic stability) performed at Invitae indicates that this missense variant is not expected to disrupt CYP27A1 protein function with a negative predictive value of 95%. In summary, the available evidence is currently insufficient to determine the role of this variant in disease. Therefore, it has been classified as a Variant of Uncertain Significance.

NM_000784.4(CYP27A1):c.517C>T (p.Leu173Phe)

Gene: CYP27A1 (cytochrome P450 family 27 subfamily A member 1; plus strand). Cytogenetic location: 2q35.
Variant type: single nucleotide variant.
Coding change: c.517C>T on transcript NM_000784.4 (MANE Select); coding-DNA position 517, C replaced by T.
Protein change: p.Leu173Phe; replaces leucine 173 with phenylalanine.
Molecular consequence: missense variant.
Genome position (GRCh38, 1-based): chr2:218,812,292, C>T. VCF-style: chr2-218812292-C-T. GRCh37 (hg19) VCF-style: chr2-219677015-C-T.
Other names: c.517C>T (NM_000784.3); short protein forms L173F.
Identifiers: ClinVar variation 2059636 (VCV002059636.3), dbSNP rs375485705, ClinGen allele CA2112634.
Genomic context (GRCh38, chr2:218,812,292, plus strand): 5'-CACTGGTACCAGCTGCGCCAGGCTCTGAACCAGCGGTTGCTGAAGCCAGCGGAAGCAGCG[C>T]TCTATACGGATGCTTTCAATGAGGTGATTGATGACTTTATGACTCGACTGGACCAGCTGC-3'
Protein context (NP_000775.1, residues 163-183): QRLLKPAEAA[Leu173Phe]YTDAFNEVID